The following is an entry in ClinVar:

ClinVar aggregate classification (germline): Pathogenic (1 of 4 stars; one submission).

Submission:

Labcorp Genetics (formerly Invitae), Labcorp
Classification: Pathogenic. Last evaluated: 2024-03-26. Review status: criteria provided, single submitter. Criteria: Invitae Variant Classification Sherloc (09022015). Collection method: clinical testing. Allele origin: germline.
Comment: This sequence change creates a premature translational stop signal (p.Ala1087Argfs*30) in the CARMIL2 gene. It is expected to result in an absent or disrupted protein product. Loss-of-function variants in CARMIL2 are known to be pathogenic (PMID: 27647349, 28112205). This variant is present in population databases (no rsID available, gnomAD 0.006%). This variant has not been reported in the literature in individuals affected with CARMIL2-related conditions. For these reasons, this variant has been classified as Pathogenic.

Literature cited by the submitters: PubMed 27647349; PubMed 28112205.

NM_001013838.3(CARMIL2):c.3257dup (p.Ala1087fs)

Gene: CARMIL2 (capping protein regulator and myosin 1 linker 2; plus strand). Cytogenetic location: 16q22.1.
Variant type: Duplication.
Coding change: c.3257dup on transcript NM_001013838.3 (MANE Select); coding-DNA position 3257, one base duplicated (G; older notation c.3257dupG).
Protein change: p.Ala1087fs; shifts the reading frame from alanine 1087.
Molecular consequence: frameshift variant.
Genome position (GRCh38, 1-based): chr16:67,654,367, G duplicated; the last of 6 consecutive G bases (chr16:67,654,362-67,654,367); duplicating any one gives the same sequence. VCF-style (leftmost placement, unchanged base first): chr16-67654361-A-AG. GRCh37 (hg19) VCF-style: chr16-67688264-A-AG.
Other names: c.3149dup, p.Ala1051fs (NM_001317026.3); short protein forms A1051fs, A1087fs.
Identifiers: ClinVar variation 3616562 (VCV003616562.2).